The following is an entry in ClinVar:

NM_000883.4(IMPDH1):c.728T>C (p.Val243Ala)

Gene: IMPDH1 (inosine monophosphate dehydrogenase 1; minus strand). Cytogenetic location: 7q32.1.
Variant type: single nucleotide variant.
Coding change: c.728T>C on transcript NM_000883.4 (MANE Select); coding-DNA position 728, T replaced by C.
Protein change: p.Val243Ala; replaces valine 243 with alanine.
Molecular consequence: missense variant.
Genome position (GRCh38, 1-based): chr7:128,400,391, A>G on the plus strand (T>C on the coding strand, the complement: IMPDH1 is on the minus strand). VCF-style: chr7-128400391-A-G. GRCh37 (hg19) VCF-style: chr7-128040445-A-G.
Other names: c.728T>C (NM_000883.3); c.698T>C, p.Val233Ala (NM_001102605.2); c.473T>C, p.Val158Ala (NM_001142573.2); c.458T>C, p.Val153Ala (NM_001142574.2); c.398T>C, p.Val133Ala (NM_001142575.2); c.629T>C, p.Val210Ala (NM_001142576.2); c.521T>C, p.Val174Ala (NM_001304521.2); c.620T>C, p.Val207Ala (NM_183243.3); short protein forms V133A, V153A, V158A, V174A, V207A, V210A, V233A, V243A.
Identifiers: ClinVar variation 1024749 (VCV001024749.9), dbSNP rs140233296, ClinGen allele CA4471072.

ClinVar aggregate classification (germline): Uncertain significance. Review status: criteria provided, multiple submitters, no conflicts (2 of 4 stars). 2 submissions from 2 submitters: Uncertain significance (2). Last evaluated 2025-12-02.

Conditions:
IMPDH1-related disorder. Also called: IMPDH1-related condition; IMPDH1-related disorders.

Allele frequency attached by ClinVar (database versions not stated): gnomAD 0.00001; TOPMed 0.00001; gnomAD exomes 0.00002 and 0.00004; ExAC 0.00003; ESP Exome Variant Server 0.00008.
gnomAD v4.1: 63 of 1,612,676 alleles (0.0039%); highest among the groups gnomAD compares: Non-Finnish European, 0.0049%; no homozygotes.

Submissions (2):

PreventionGenetics, part of Exact Sciences
Classification: Uncertain significance for IMPDH1-related condition. Last evaluated: 2025-12-02. Review status: criteria provided, single submitter. Criteria: ACMG Guidelines, 2015. Collection method: clinical testing. Allele origin: germline.
Comment: The IMPDH1 c.728T>C variant is predicted to result in the amino acid substitution p.Val243Ala. To our knowledge, this variant has not been reported in the literature. This variant is reported in 0.0036% of alleles in individuals of European (Non-Finnish) descent in gnomAD. At this time, the clinical significance of this variant is uncertain due to the absence of conclusive functional and genetic evidence.

Labcorp Genetics (formerly Invitae), Labcorp
Classification: Uncertain significance. Last evaluated: 2020-01-23. Review status: criteria provided, single submitter. Criteria: Invitae Variant Classification Sherloc (09022015). Collection method: clinical testing. Allele origin: germline.
Comment: This variant has not been reported in the literature in individuals with IMPDH1-related conditions. This variant is present in population databases (rs140233296, ExAC 0.006%). This sequence change replaces valine with alanine at codon 243 of the IMPDH1 protein (p.Val243Ala). The valine residue is highly conserved and there is a small physicochemical difference between valine and alanine. Algorithms developed to predict the effect of missense changes on protein structure and function (SIFT, PolyPhen-2, Align-GVGD) all suggest that this variant is likely to be disruptive, but these predictions have not been confirmed by published functional studies and their clinical significance is uncertain. In summary, the available evidence is currently insufficient to determine the role of this variant in disease. Therefore, it has been classified as a Variant of Uncertain Significance.